The following is an entry in ClinVar:

ClinVar aggregate classification (germline): Uncertain significance (1 of 4 stars; one submission).

Conditions:
Inborn genetic diseases. Identifiers: MedGen C0950123, MeSH D030342.

Submission:

Ambry Genetics
Classification: Uncertain significance for Inborn genetic diseases. Last evaluated: 2023-09-28. Review status: criteria provided, single submitter. Criteria: Ambry Variant Classification Scheme 2023. Collection method: clinical testing. Allele origin: germline.
Comment: The p.Q197E variant (also known as c.589C>G), located in coding exon 6 of the BUB1B gene, results from a C to G substitution at nucleotide position 589. The glutamine at codon 197 is replaced by glutamic acid, an amino acid with highly similar properties. This amino acid position is conserved. In addition, this alteration is predicted to be tolerated by in silico analysis. Since supporting evidence is limited at this time, the clinical significance of this alteration remains unclear.

NM_001211.6(BUB1B):c.589C>G (p.Gln197Glu)

Gene: BUB1B (BUB1 mitotic checkpoint serine/threonine kinase B; plus strand). Cytogenetic location: 15q15.1.
Variant type: single nucleotide variant.
Coding change: c.589C>G on transcript NM_001211.6 (MANE Select); coding-DNA position 589, C replaced by G.
Protein change: p.Gln197Glu; replaces glutamine 197 with glutamic acid.
Molecular consequence: missense variant.
Genome position (GRCh38, 1-based): chr15:40,183,721, C>G. VCF-style: chr15-40183721-C-G. GRCh37 (hg19) VCF-style: chr15-40475922-C-G.
Other names: short protein forms Q197E.
Identifiers: ClinVar variation 3221435 (VCV003221435.1), dbSNP rs1595518743, ClinGen allele CA391683033.
Genomic context (GRCh38, chr15:40,183,721, plus strand): 5'-GTCTGGTAAAATAGTGGTCACCTCACTAAAAGTTGTGCATTCTGCTACTTTAGACAATTC[C>G]AAGCTCGAGTGTCTCGGCAAACTCTGTTGGCACTTGAGAAAGAAGAAGAGGAGGAAGTTT-3'
Protein context (NP_001202.5, residues 187-207): ERLQSQHRQF[Gln197Glu]ARVSRQTLLA